The following is an entry in ClinVar:

ClinVar aggregate classification (germline): Uncertain significance. Review status: criteria provided, multiple submitters, no conflicts (2 of 4 stars). 2 submissions from 2 submitters: Uncertain significance (2). Last evaluated 2022-04-15.

Conditions:
RFT1-congenital disorder of glycosylation (CDG1N). Also called: Congenital disorder of glycosylation type In; RFT1-CDG; CDG In. Identifiers: Orphanet 244310, MedGen C2677590, MONDO:0012783, OMIM 612015.

Allele frequency attached by ClinVar (database versions not stated): gnomAD exomes below 0.00001; TOPMed 0.00001.

Submissions (2):

Labcorp Genetics (formerly Invitae), Labcorp
Classification: Uncertain significance for RFT1-congenital disorder of glycosylation. Last evaluated: 2022-04-15. Review status: criteria provided, single submitter. Criteria: Invitae Variant Classification Sherloc (09022015). Collection method: clinical testing. Allele origin: germline.
Comment: In summary, the available evidence is currently insufficient to determine the role of this variant in disease. Therefore, it has been classified as a Variant of Uncertain Significance. Algorithms developed to predict the effect of sequence changes on RNA splicing suggest that this variant may create or strengthen a splice site. ClinVar contains an entry for this variant (Variation ID: 523841). This variant has not been reported in the literature in individuals affected with RFT1-related conditions. This variant is present in population databases (no rsID available, gnomAD 0.007%). This sequence change creates a premature translational stop signal (p.Trp237*) in the RFT1 gene. It is expected to result in an absent or disrupted protein product. However, the current clinical and genetic evidence is not sufficient to establish whether loss-of-function variants in RFT1 cause disease.

GeneDx
Classification: Uncertain significance. Last evaluated: 2018-03-29. Review status: criteria provided, single submitter. Criteria: GeneDx Variant Classification (06012015). Collection method: clinical testing. Allele origin: germline. Affected: yes.
Comment: The W237X variant in the RFT1 gene has not been reported previously as a pathogenic variant nor as a benign variant, to our knowledge. This variant is predicted to cause loss of normal protein function either through protein truncation or nonsense-mediated mRNA decay. Although not observed as homozygous, the W237X variant is observed in 1/15266 (0.0066%) alleles from individuals of African background in large population cohorts (Lek et al., 2016). We interpret W237X as a variant of uncertain significance.

NM_052859.4(RFT1):c.710G>A (p.Trp237Ter)

Gene: RFT1 (RFT1 glycolipid translocator homolog; minus strand). Cytogenetic location: 3p21.1.
Variant type: single nucleotide variant.
Coding change: c.710G>A on transcript NM_052859.4 (MANE Select); coding-DNA position 710, G replaced by A.
Protein change: p.Trp237Ter; replaces tryptophan 237 with a stop codon.
Molecular consequence: nonsense.
Genome position (GRCh38, 1-based): chr3:53,111,895, C>T on the plus strand (G>A on the coding strand, the complement: RFT1 is on the minus strand). VCF-style: chr3-53111895-C-T. GRCh37 (hg19) VCF-style: chr3-53145911-C-T.
Other names: short protein forms W237*.
Identifiers: ClinVar variation 523841 (VCV000523841.7), dbSNP rs1408405816, ClinGen allele CA353231160.